The following is an entry in ClinVar:

ClinVar aggregate classification (germline): Uncertain significance. Review status: criteria provided, multiple submitters, no conflicts (2 of 4 stars). 4 submissions from 4 submitters: Uncertain significance (4). Last evaluated 2025-11-19.

Conditions:
PROC-related disorder. Also called: PROC-related condition.
Thrombophilia due to protein C deficiency, autosomal recessive. Also called: PROC DEFICIENCY, AUTOSOMAL RECESSIVE; PROTEIN C DEFICIENCY, AUTOSOMAL RECESSIVE. Identifiers: Orphanet 745, MedGen C2676759, MONDO:0012860, OMIM 612304.
Thrombophilia due to protein C deficiency, autosomal dominant. Also called: PROC DEFICIENCY, AUTOSOMAL DOMINANT; PROTEIN C DEFICIENCY, AUTOSOMAL DOMINANT. Identifiers: Orphanet 745, MedGen C2674321, MONDO:0008316, OMIM 176860. Disease mechanism: loss of function.

Allele frequency attached by ClinVar (database versions not stated): gnomAD 0.00006 and 0.00007; TOPMed 0.00010; 1000 Genomes Project 30x 0.00016; 1000 Genomes Project 0.00020; ESP Exome Variant Server 0.00023.
gnomAD v4.1: 189 of 1,613,608 alleles (0.012%); highest among the groups gnomAD compares: South Asian, 0.047%; 2 homozygotes.

Submissions (4):

PreventionGenetics, part of Exact Sciences
Classification: Uncertain significance for PROC-related condition. Last evaluated: 2025-11-19. Review status: criteria provided, single submitter. Criteria: ACMG Guidelines, 2015. Collection method: clinical testing. Allele origin: germline.
Comment: The PROC c.52G>A variant is predicted to result in the amino acid substitution p.Gly18Ser. This variant has been reported in an individual with protein C deficiency (Caspers et al. 2012. PubMed ID: 22627591). This variant is reported in 0.036% of alleles in individuals of South Asian descent in gnomAD. At this time, the clinical significance of this variant is uncertain due to the absence of conclusive functional and genetic evidence.

Fulgent Genetics
Classification: Uncertain significance for Thrombophilia due to protein C deficiency, autosomal dominant; Thrombophilia due to protein C deficiency, autosomal recessive. Last evaluated: 2021-10-20. Review status: criteria provided, single submitter. Criteria: ACMG Guidelines, 2015. Collection method: clinical testing. Allele origin: unknown.

Labcorp Genetics (formerly Invitae), Labcorp
Classification: Uncertain significance for Thrombophilia due to protein C deficiency, autosomal dominant. Last evaluated: 2021-08-31. Review status: criteria provided, single submitter. Criteria: Invitae Variant Classification Sherloc (09022015). Collection method: clinical testing. Allele origin: germline.
Comment: This sequence change replaces glycine with serine at codon 18 of the PROC protein (p.Gly18Ser). The glycine residue is weakly conserved and there is a small physicochemical difference between glycine and serine. This variant is present in population databases (rs146793243, ExAC 0.03%). This missense change has been observed in individual(s) with protein C deficiency (PMID: 22627591). This variant is also known as Gly25Ser. ClinVar contains an entry for this variant (Variation ID: 161337). Algorithms developed to predict the effect of missense changes on protein structure and function output the following: SIFT: "Tolerated"; PolyPhen-2: "Benign"; Align-GVGD: "Class C0". The serine amino acid residue is found in multiple mammalian species, which suggests that this missense change does not adversely affect protein function. Algorithms developed to predict the effect of sequence changes on RNA splicing suggest that this variant may create or strengthen a splice site. In summary, the available evidence is currently insufficient to determine the role of this variant in disease. Therefore, it has been classified as a Variant of Uncertain Significance.

CSER _CC_NCGL, University of Washington
Classification: Uncertain significance for Protein C deficiency. Last evaluated: 2014-06-01. Review status: criteria provided, single submitter. Criteria: Amendola et al. (Genome Res. 2015). Collection method: research. Allele origin: germline. Inheritance: Autosomal dominant inheritance. Study: ESP 6500 variant annotation.
Comment: Low GERP score may suggest that this variant may belong in a lower pathogenicity class

Variants classified for the Actionable exomic incidental findings in 6503 participants: challenges of variant classification manuscript

Literature cited by the submitters: PubMed 22627591 (cited by Labcorp Genetics (formerly Invitae), Labcorp).

NM_000312.4(PROC):c.52G>A (p.Gly18Ser)

Gene: PROC (protein C, inactivator of coagulation factors Va and VIIIa; plus strand). Cytogenetic location: 2q14.3.
Variant type: single nucleotide variant.
Coding change: c.52G>A on transcript NM_000312.4 (MANE Select); coding-DNA position 52, G replaced by A.
Protein change: p.Gly18Ser; replaces glycine 18 with serine.
Molecular consequence: missense variant. On other transcripts: synonymous variant (1), intron variant (1).
Genome position (GRCh38, 1-based): chr2:127,419,994, G>A. VCF-style: chr2-127419994-G-A. GRCh37 (hg19) VCF-style: chr2-128177570-G-A.
Other names: c.235G>A, p.Gly79Ser (NM_001375602.1); c.115G>A, p.Gly39Ser (NM_001375603.1, NM_001375604.1, NM_001375606.1); c.52G>A, p.Gly18Ser (NM_001375605.1, NM_001375608.1, NM_001375610.1 and 2 more transcripts); c.171G>A, p.Pro57= (NM_001375607.1); c.47-1289G>A (NM_001375609.1); short protein forms G18S, G39S, G79S.
Identifiers: ClinVar variation 161337 (VCV000161337.10), dbSNP rs146793243, ClinGen allele CA211718.